The following is an entry in ClinVar:

ClinVar aggregate classification (germline): Conflicting classifications of pathogenicity. Review status: criteria provided, conflicting classifications (1 of 4 stars). 6 submissions from 5 submitters: Uncertain significance (4); Likely benign (1). 1 of the submissions does not count toward it. Last evaluated 2026-02-03.

Conditions:
Retinitis pigmentosa 39 (RP39). Identifiers: Orphanet 791, MedGen C3151138, MONDO:0013436, OMIM 613809.
USH2A-related disorder. Also called: USH2A-related condition; USH2A-related disorders. Identifiers: MedGen CN239332.
Usher syndrome type 2A. Also called: USHER SYNDROME, TYPE IIA; RETINAL DISEASE IN USHER SYNDROME TYPE IIA, MODIFIER OF. Identifiers: Orphanet 231178, Orphanet 886, MedGen C1848634, MONDO:0010169, OMIM 276901.

Allele frequency attached by ClinVar (database versions not stated): gnomAD 0.00001; ExAC 0.00002; gnomAD exomes 0.00002 and 0.00003; TOPMed 0.00002.
gnomAD v4.1: 37 of 1,613,798 alleles (0.0023%); highest among the groups gnomAD compares: Non-Finnish European, 0.0029%; no homozygotes.

Submissions (6):

PreventionGenetics, part of Exact Sciences
Classification: Likely benign for USH2A-related condition. Last evaluated: 2026-02-03. Review status: criteria provided, single submitter. Criteria: ACMG Guidelines, 2015. Collection method: clinical testing. Allele origin: germline.
Comment: This variant is classified as likely benign based on ACMG/AMP sequence variant interpretation guidelines (Richards et al. 2015 PMID: 25741868, with internal and published modifications).

Genome-Nilou Lab
Classification: Uncertain significance for Retinitis pigmentosa 39. Last evaluated: 2023-04-11. Review status: criteria provided, single submitter. Criteria: ACMG Guidelines, 2015. Collection method: clinical testing. Allele origin: germline. Affected: no.

Genome-Nilou Lab
Classification: Uncertain significance for Usher syndrome type 2A. Last evaluated: 2023-04-11. Review status: criteria provided, single submitter. Criteria: ACMG Guidelines, 2015. Collection method: clinical testing. Allele origin: germline. Affected: no.

Labcorp Genetics (formerly Invitae), Labcorp
Classification: Uncertain significance. Last evaluated: 2021-09-16. Review status: criteria provided, single submitter. Criteria: Invitae Variant Classification Sherloc (09022015). Collection method: clinical testing. Allele origin: germline.
Comment: This sequence change falls in intron 52 of the USH2A gene. It does not directly change the encoded amino acid sequence of the USH2A protein, but it affects a nucleotide within the consensus splice site of the intron. This variant is present in population databases (rs746536041, ExAC 0.003%). This variant has not been reported in the literature in individuals affected with USH2A-related conditions. ClinVar contains an entry for this variant (Variation ID: 505338). Algorithms developed to predict the effect of sequence changes on RNA splicing suggest that this variant may create or strengthen a splice site. In summary, the available evidence is currently insufficient to determine the role of this variant in disease. Therefore, it has been classified as a Variant of Uncertain Significance.

Laboratory for Molecular Medicine, Mass General Brigham Personalized Medicine
Classification: Uncertain significance. Last evaluated: 2016-11-10. Review status: criteria provided, single submitter. Criteria: LMM Criteria. Collection method: clinical testing. Allele origin: germline. Observed: 1 variant allele.
Comment: The c.10387+5C>G variant in USH2A has not been previously reported in individual s with hearing loss, but has been identified in 2/66604 European chromosomes by the Exome Aggregation Consortium (ExAC; dbSNP rs 746536041). Although this variant has been seen in the general population, its f requency is not high enough to rule out a pathogenic role. This variant is locat ed in the 5' splice region. Computational tools do not suggest an impact to spli cing. However, this information is not predictive enough to rule out pathogenici ty. In summary, the clinical significance of the c.10387+5C>G variant is uncerta in.

Natera, Inc.
Classification: Uncertain significance for Usher syndrome type 2A. Last evaluated: 2019-11-11. Review status: no assertion criteria provided. Collection method: clinical testing. Allele origin: germline. Not counted in ClinVar's aggregate classification.

NM_206933.4(USH2A):c.10387+5C>G

Gene: USH2A (usherin; minus strand). Cytogenetic location: 1q41.
Variant type: single nucleotide variant.
Coding change: c.10387+5C>G on transcript NM_206933.4 (MANE Select); 5 bases into the intron after coding-DNA position 10387, C replaced by G.
Molecular consequence: intron variant.
Genome position (GRCh38, 1-based): chr1:215,786,665, G>C on the plus strand (C>G on the coding strand, the complement: USH2A is on the minus strand). VCF-style: chr1-215786665-G-C. GRCh37 (hg19) VCF-style: chr1-215960007-G-C.
Identifiers: ClinVar variation 505338 (VCV000505338.9), dbSNP rs746536041, ClinGen allele CA1394042.
Genomic context (GRCh38, chr1:215,786,665, plus strand): 5'-CTGCATTTTCAGCAGCTTCTCACTAACCCCATTAAGCCATGGGCAGACAGCTTGCTTTCT[G>C]TTACCTGTGTAAGAGTACGTGTTTACACTCCCTGTATGAATGGTTTCTTCGGCAGATGAA-3'